The following is an entry in ClinVar:

NM_019109.5(ALG1):c.468del (p.Trp156fs)

Gene: ALG1 (ALG1 chitobiosyldiphosphodolichol beta-mannosyltransferase; plus strand). Cytogenetic location: 16p13.3.
Variant type: Deletion.
Coding change: c.468del on transcript NM_019109.5 (MANE Select); coding-DNA position 468, one base deleted (G; older notation c.468delG).
Protein change: p.Trp156fs; shifts the reading frame from tryptophan 156.
Molecular consequence: frameshift variant.
Genome position (GRCh38, 1-based): chr16:5,075,465, G deleted; the last of 2 consecutive G bases (chr16:5,075,464-5,075,465); deleting either gives the same sequence. VCF-style (leftmost placement, unchanged base first): chr16-5075463-TG-T. GRCh37 (hg19) VCF-style: chr16-5125464-TG-T.
Other names: c.135del, p.Trp45fs (NM_001330504.2); c.468del, p.Trp156fs (NM_001438123.1); short protein forms W156fs, W45fs.
Identifiers: ClinVar variation 4809224 (VCV004809224.1).

ClinVar aggregate classification (germline): Pathogenic (1 of 4 stars; one submission).

Conditions:
ALG1-congenital disorder of glycosylation. Also called: CONGENITAL DISORDER OF GLYCOSYLATION, TYPE Ik; CDG Ik; ALG1-CDG. Identifiers: Orphanet 79327, MedGen C2931005, MONDO:0012052, OMIM 608540.

Submission:

Labcorp Genetics (formerly Invitae), Labcorp
Classification: Pathogenic for ALG1-congenital disorder of glycosylation. Last evaluated: 2025-12-30. Review status: criteria provided, single submitter. Criteria: Invitae Variant Classification Sherloc (09022015). Collection method: clinical testing. Allele origin: germline.
Comment: This sequence change creates a premature translational stop signal (p.Trp156Cysfs*36) in the ALG1 gene. It is expected to result in an absent or disrupted protein product. Loss-of-function variants in ALG1 are known to be pathogenic (PMID: 20679665, 23806237). This variant is present in population databases (no rsID available, gnomAD 0.0009%). This variant has not been reported in the literature in individuals affected with ALG1-related conditions. Algorithms developed to predict the effect of sequence changes on RNA splicing suggest that this variant may disrupt the consensus splice site. For these reasons, this variant has been classified as Pathogenic.

Literature cited by the submitters: PubMed 20679665; PubMed 23806237.